The following is an entry in ClinVar:

NM_000020.3(ACVRL1):c.1004A>G (p.Asn335Ser)

Gene: ACVRL1 (activin A receptor like type 1; plus strand). Cytogenetic location: 12q13.13.
Variant type: single nucleotide variant.
Coding change: c.1004A>G on transcript NM_000020.3 (MANE Select); coding-DNA position 1004, A replaced by G.
Protein change: p.Asn335Ser; replaces asparagine 335 with serine.
Molecular consequence: missense variant.
Genome position (GRCh38, 1-based): chr12:51,915,456, A>G. VCF-style: chr12-51915456-A-G. GRCh37 (hg19) VCF-style: chr12-52309240-A-G.
Other names: c.1004A>G, p.Asn335Ser (NM_001077401.2); c.1004A>G (NM_000020.2); short protein forms N335S.
Identifiers: ClinVar variation 1472895 (VCV001472895.9), dbSNP rs1060503247, ClinGen allele CA384901591.

ClinVar aggregate classification (germline): Conflicting classifications of pathogenicity. Review status: criteria provided, conflicting classifications (1 of 4 stars). 2 submissions from 2 submitters: Likely pathogenic (1); Uncertain significance (1). Last evaluated 2024-07-31.

Conditions:
Cardiovascular phenotype. Identifiers: MedGen CN230736.
Telangiectasia, hereditary hemorrhagic, type 2 (HHT2). Also called: ACVRL1-Related Hereditary Hemorrhagic Telangiectasia; Telangiectasia, hereditary hemorrhagic, type II. Identifiers: Orphanet 774, MedGen C1838163, MONDO:0010880, OMIM 600376. Disease mechanism: loss of function.

Allele frequency attached by ClinVar (database versions not stated): gnomAD exomes below 0.00001.
gnomAD v4.1: 1 of 1,613,168 alleles (0.000062%); highest among the groups gnomAD compares: Non-Finnish European, 0.000085%; no homozygotes.

Submissions (2):

Ambry Genetics
Classification: Uncertain significance for Cardiovascular phenotype. Last evaluated: 2024-07-31. Review status: criteria provided, single submitter. Criteria: Ambry Variant Classification Scheme 2023. Collection method: clinical testing. Allele origin: germline.
Comment: The p.N335S variant (also known as c.1004A>G), located in coding exon 6 of the ACVRL1 gene, results from an A to G substitution at nucleotide position 1004. The asparagine at codon 335 is replaced by serine, an amino acid with highly similar properties. This variant has been detected in individuals with features consistent with hereditary hemorrhagic telangiectasia (McDonald J et al. Genet Med, 2020 Jul;22:1201-1205; Ambry internal data). This amino acid position is highly conserved in available vertebrate species. In addition, the in silico prediction for this alteration is inconclusive. Based on the available evidence, the clinical significance of this variant remains unclear.

Labcorp Genetics (formerly Invitae), Labcorp
Classification: Likely pathogenic for Telangiectasia, hereditary hemorrhagic, type 2. Last evaluated: 2021-05-20. Review status: criteria provided, single submitter. Criteria: Invitae Variant Classification Sherloc (09022015). Collection method: clinical testing. Allele origin: germline.
Comment: This sequence change replaces asparagine with serine at codon 335 of the ACVRL1 protein (p.Asn335Ser). The asparagine residue is highly conserved and there is a small physicochemical difference between asparagine and serine. This variant is not present in population databases (ExAC no frequency). This variant has been observed in individual(s) with hereditary hemorrhagic telangiectasia (HHT) (PMID: 32300199, Invitae). Algorithms developed to predict the effect of missense changes on protein structure and function (SIFT, PolyPhen-2, Align-GVGD) all suggest that this variant is likely to be disruptive, but these predictions have not been confirmed by published functional studies and their clinical significance is uncertain. This variant disrupts the p.Asn335 amino acid residue in ACVRL1. Other variant(s) that disrupt this residue have been observed in individuals with ACVRL1-related conditions (PMID: 20414677, Invitae), which suggests that this may be a clinically significant amino acid residue. In summary, the currently available evidence indicates that the variant is pathogenic, but additional data are needed to prove that conclusively. Therefore, this variant has been classified as Likely Pathogenic.

Literature cited by the submitters: PubMed 32300199 (cited by Ambry Genetics and Labcorp Genetics (formerly Invitae), Labcorp); PubMed 20414677 (cited by Labcorp Genetics (formerly Invitae), Labcorp).